The following is an entry in ClinVar:

NM_181882.3(PRX):c.2509C>G (p.Leu837Val)

Gene: PRX (periaxin; minus strand). Cytogenetic location: 19q13.2.
Variant type: single nucleotide variant.
Coding change: c.2509C>G on transcript NM_181882.3 (MANE Select); coding-DNA position 2509, C replaced by G.
Protein change: p.Leu837Val; replaces leucine 837 with valine.
Molecular consequence: missense variant. On other transcripts: 3 prime UTR variant (1).
Genome position (GRCh38, 1-based): chr19:40,395,843, G>C on the plus strand (C>G on the coding strand, the complement: PRX is on the minus strand). VCF-style: chr19-40395843-G-C. GRCh37 (hg19) VCF-style: chr19-40901750-G-C.
Other names: c.2794C>G, p.Leu932Val (NM_001411127.1); c.*2714C>G (NM_020956.2); short protein forms L932V, L837V.
Identifiers: ClinVar variation 2075324 (VCV002075324.4), dbSNP rs1177784082, ClinGen allele CA405896137.
Genomic context (GRCh38, chr19:40,395,843, plus strand): 5'-CTGAAGGCAGAGTGAGAGAGGGGACACCCACATGAGCCTCACCATCCACCTCTGGCTGCA[G>C]ACAGGGAAGTGTTACCAGCTTCCCTGAGACCTCAGCACCCGCCTCGCCTGGCTTGCCACG-3'
Protein context (NP_870998.2, residues 827-847): VSGKLVTLPC[Leu837Val]QPEVDGEAHV

ClinVar aggregate classification (germline): Uncertain significance (1 of 4 stars; one submission).

Conditions:
Charcot-Marie-Tooth disease type 4. Also called: Charcot-Marie-Tooth disease, type IV; Charcot-Marie-Tooth, Type 4. Identifiers: Orphanet 64749, MedGen C4082197, MONDO:0018995.

Submission:

Labcorp Genetics (formerly Invitae), Labcorp
Classification: Uncertain significance for Charcot-Marie-Tooth disease type 4. Last evaluated: 2022-01-05. Review status: criteria provided, single submitter. Criteria: Invitae Variant Classification Sherloc (09022015). Collection method: clinical testing. Allele origin: germline.
Comment: This variant is not present in population databases (gnomAD no frequency). This sequence change replaces leucine, which is neutral and non-polar, with valine, which is neutral and non-polar, at codon 837 of the PRX protein (p.Leu837Val). In summary, the available evidence is currently insufficient to determine the role of this variant in disease. Therefore, it has been classified as a Variant of Uncertain Significance. Algorithms developed to predict the effect of missense changes on protein structure and function are either unavailable or do not agree on the potential impact of this missense change (SIFT: "Tolerated"; PolyPhen-2: "Possibly Damaging"; Align-GVGD: "Class C0"). This variant has not been reported in the literature in individuals affected with PRX-related conditions.